The following is an entry in ClinVar:

ClinVar aggregate classification (germline): Uncertain significance. Review status: criteria provided, multiple submitters, no conflicts (2 of 4 stars). 2 submissions from 2 submitters: Uncertain significance (2). Last evaluated 2025-08-01.

Conditions:
Inborn genetic diseases. Identifiers: MedGen C0950123, MeSH D030342.
Fanconi anemia complementation group A (FANCA). Also called: Fanconi anemia, group A; FANCA-Related Fanconi Anemia. Identifiers: Orphanet 84, MedGen C3469521, MONDO:0009215, OMIM 227650.

gnomAD v4.1: 2 of 1,608,704 alleles (0.00012%); highest among the groups gnomAD compares: African/African-American, 0.0027%; no homozygotes.

Submissions (2):

Ambry Genetics
Classification: Uncertain significance for Inborn genetic diseases. Last evaluated: 2025-08-01. Review status: criteria provided, single submitter. Criteria: Ambry Variant Classification Scheme 2023. Collection method: clinical testing. Allele origin: germline.
Comment: The p.V719L variant (also known as c.2155G>T), located in coding exon 24 of the FANCA gene, results from a G to T substitution at nucleotide position 2155. The valine at codon 719 is replaced by leucine, an amino acid with highly similar properties. This amino acid position is conserved. In addition, the in silico prediction for this alteration is inconclusive. Based on the available evidence, the clinical significance of this variant remains unclear.

St. Jude Molecular Pathology, St. Jude Children's Research Hospital
Classification: Uncertain significance for Fanconi anemia complementation group A. Last evaluated: 2024-08-21. Review status: criteria provided, single submitter. Criteria: St. Jude Assertion Criteria 2020. Collection method: clinical testing. Allele origin: germline.
Comment: The FANCA c.2155G>T (p.Val719Leu) missense change is absent in gnomAD v2.1.1. The in silico tool REVEL is inconclusive about a pathogenic or benign effect of this variant on protein function, and to our knowledge functional studies have not been performed. To our knowledge, this variant has not been reported in individuals with Fanconi anemia. In summary, the evidence currently available is insufficient to determine the clinical significance of this variant. It has therefore been classified as of uncertain significance.

NM_000135.4(FANCA):c.2155G>T (p.Val719Leu)

Gene: FANCA (FA complementation group A; minus strand). Cytogenetic location: 16q24.3.
Variant type: single nucleotide variant.
Coding change: c.2155G>T on transcript NM_000135.4 (MANE Select); coding-DNA position 2155, G replaced by T.
Protein change: p.Val719Leu; replaces valine 719 with leucine.
Molecular consequence: missense variant.
Genome position (GRCh38, 1-based): chr16:89,770,631, C>A on the plus strand (G>T on the coding strand, the complement: FANCA is on the minus strand). VCF-style: chr16-89770631-C-A. GRCh37 (hg19) VCF-style: chr16-89837039-C-A.
Other names: c.2155G>T, p.Val719Leu (NM_001286167.3); short protein forms V719L.
Identifiers: ClinVar variation 3602658 (VCV003602658.2).